The following is an entry in ClinVar:

NM_002850.4(PTPRS):c.5223T>C (p.Ile1741=)

Gene: PTPRS (protein tyrosine phosphatase receptor type S; minus strand). Cytogenetic location: 19p13.3.
Variant type: single nucleotide variant.
Coding change: c.5223T>C on transcript NM_002850.4 (MANE Select); coding-DNA position 5223, T replaced by C.
Protein change: p.Ile1741=; no amino-acid change (isoleucine 1741 retained).
Molecular consequence: synonymous variant.
Genome position (GRCh38, 1-based): chr19:5,211,601, A>G on the plus strand (T>C on the coding strand, the complement: PTPRS is on the minus strand). VCF-style: chr19-5211601-A-G. GRCh37 (hg19) VCF-style: chr19-5211612-A-G.
Other names: c.3882T>C, p.Ile1294= (NM_130853.3); c.5109T>C, p.Ile1703= (NM_130854.3); c.3894T>C, p.Ile1298= (NM_130855.3).
Identifiers: ClinVar variation 782049 (VCV000782049.30), dbSNP rs41276864, ClinGen allele CA9108838.
Genomic context (GRCh38, chr19:5,211,601, plus strand): 5'-GAGATGGGCTCCTTCTGGGGCCCTGAGGTGGGAAAGGCATGGCACCTACCTGTAGCCATC[A>G]ATGAAGCTGGCGTTGATGTAGTCAGAGCCCTCCACACCCCGGATGGGTTGCAGACAGACC-3'
Protein context (NP_002841.3, residues 1731-1751): EGSDYINASF[Ile1741=]DGYRQQKAYI

ClinVar aggregate classification (germline): Benign. Review status: criteria provided, multiple submitters, no conflicts (2 of 4 stars). 4 submissions from 4 submitters: Benign (3). 1 of the submissions does not count toward it. Last evaluated 2022-12-01.

Conditions:
PTPRS-related disorder. Also called: PTPRS-related condition.

Allele frequency attached by ClinVar (database versions not stated): 1000 Genomes Project 0.00280; 1000 Genomes Project 30x 0.00328; TOPMed 0.00644; gnomAD 0.00754 and 0.00778; ESP Exome Variant Server 0.00761; ExAC 0.00794; gnomAD exomes 0.00817.
gnomAD v4.1: 17,351 of 1,608,126 alleles (1.1%); highest among the groups gnomAD compares: Non-Finnish European, 1.2%; 142 homozygotes.

Submissions (4):

CeGaT Center for Human Genetics Tuebingen
Classification: Benign. Last evaluated: 2022-12-01. Review status: criteria provided, single submitter. Criteria: CeGaT Center For Human Genetics Tuebingen Variant Classification Criteria Version 2. Collection method: clinical testing. Allele origin: germline. Affected: yes. Observed: 1 variant allele.
Comment: PTPRS: BP4, BP7, BS1, BS2

Labcorp Genetics (formerly Invitae), Labcorp
Classification: Benign. Last evaluated: 2019-12-31. Review status: criteria provided, single submitter. Criteria: Invitae Variant Classification Sherloc (09022015). Collection method: clinical testing. Allele origin: germline.

Breakthrough Genomics
Classification: Benign. Review status: criteria provided, single submitter. Criteria: ACMG Guidelines, 2015. Collection method: not provided. Allele origin: germline. Inheritance: Unknown mechanism. Affected: yes.

PreventionGenetics, part of Exact Sciences
Classification: Benign for PTPRS-related condition. Last evaluated: 2019-06-07. Review status: no assertion criteria provided. Collection method: clinical testing. Allele origin: germline. Not counted in ClinVar's aggregate classification.
Comment: This variant is classified as benign based on ACMG/AMP sequence variant interpretation guidelines (Richards et al. 2015 PMID: 25741868, with internal and published modifications).